The following is an entry in ClinVar:

ClinVar aggregate classification (germline): Uncertain significance. Review status: criteria provided, multiple submitters, no conflicts (2 of 4 stars). 4 submissions from 4 submitters: Uncertain significance (4). Last evaluated 2026-04-04.

Conditions:
Inborn genetic diseases. Identifiers: MedGen C0950123, MeSH D030342.
NTRK2-related disorder. Also called: NTRK2-related condition.

Allele frequency attached by ClinVar (database versions not stated): gnomAD 0.00001; gnomAD exomes 0.00001; ExAC 0.00002; TOPMed 0.00002; 1000 Genomes Project 30x 0.00016; 1000 Genomes Project 0.00020.
gnomAD v4.1: 20 of 1,614,212 alleles (0.0012%); highest among the groups gnomAD compares: Non-Finnish European, 0.0017%; no homozygotes.

Submissions (4):

PreventionGenetics, part of Exact Sciences
Classification: Uncertain significance for NTRK2-related condition. Last evaluated: 2026-04-04. Review status: criteria provided, single submitter. Criteria: ACMG Guidelines, 2015. Collection method: clinical testing. Allele origin: germline.
Comment: The NTRK2 c.1130A>G variant is predicted to result in the amino acid substitution p.His377Arg. To our knowledge, this variant has not been reported in the literature. This variant is reported in 0.0040% of alleles in individuals of African descent in gnomAD. At this time, the clinical significance of this variant is uncertain due to the absence of conclusive functional and genetic evidence.

Labcorp Genetics (formerly Invitae), Labcorp
Classification: Uncertain significance. Last evaluated: 2024-10-29. Review status: criteria provided, single submitter. Criteria: Invitae Variant Classification Sherloc (09022015). Collection method: clinical testing. Allele origin: germline.
Comment: This sequence change replaces histidine, which is basic and polar, with arginine, which is basic and polar, at codon 377 of the NTRK2 protein (p.His377Arg). This variant is present in population databases (rs146616471, gnomAD 0.004%). This variant has not been reported in the literature in individuals affected with NTRK2-related conditions. ClinVar contains an entry for this variant (Variation ID: 1405213). Invitae Evidence Modeling of protein sequence and biophysical properties (such as structural, functional, and spatial information, amino acid conservation, physicochemical variation, residue mobility, and thermodynamic stability) indicates that this missense variant is not expected to disrupt NTRK2 protein function with a negative predictive value of 80%. In summary, the available evidence is currently insufficient to determine the role of this variant in disease. Therefore, it has been classified as a Variant of Uncertain Significance.

Blueprint Genetics
Classification: Uncertain significance. Last evaluated: 2024-10-08. Review status: criteria provided, single submitter. Criteria: ACMG Guidelines, 2015. Collection method: clinical testing. Allele origin: germline.

Ambry Genetics
Classification: Uncertain significance for Inborn genetic diseases. Last evaluated: 2022-12-28. Review status: criteria provided, single submitter. Criteria: Ambry Variant Classification Scheme 2023. Collection method: clinical testing. Allele origin: germline.

NM_006180.6(NTRK2):c.1130A>G (p.His377Arg)

Gene: NTRK2 (neurotrophic receptor tyrosine kinase 2; plus strand). Cytogenetic location: 9q21.33.
Variant type: single nucleotide variant.
Coding change: c.1130A>G on transcript NM_006180.6 (MANE Select); coding-DNA position 1130, A replaced by G.
Protein change: p.His377Arg; replaces histidine 377 with arginine.
Molecular consequence: missense variant.
Genome position (GRCh38, 1-based): chr9:84,727,930, A>G. VCF-style: chr9-84727930-A-G. GRCh37 (hg19) VCF-style: chr9-87342845-A-G.
Other names: c.1130A>G, p.His377Arg (NM_001007097.3, NM_001018064.3, NM_001018065.2 and 16 more transcripts); c.1091A>G, p.His364Arg (NM_001369546.1, NM_001291937.2); c.662A>G, p.His221Arg (NM_001369550.1, NM_001369551.1, NM_001369552.1 and 2 more transcripts); c.1130A>G (NM_006180.3, NM_006180.4); short protein forms H221R, H364R, H377R.
Identifiers: ClinVar variation 1405213 (VCV001405213.11), dbSNP rs146616471, ClinGen allele CA5105625.